The following is an entry in ClinVar:

NM_025137.4(SPG11):c.336A>C (p.Glu112Asp)

Gene: SPG11 (SPG11 vesicle trafficking associated, spatacsin; minus strand). Cytogenetic location: 15q21.1.
Variant type: single nucleotide variant.
Coding change: c.336A>C on transcript NM_025137.4 (MANE Select); coding-DNA position 336, A replaced by C.
Protein change: p.Glu112Asp; replaces glutamic acid 112 with aspartic acid.
Molecular consequence: missense variant.
Genome position (GRCh38, 1-based): chr15:44,660,538, T>G on the plus strand (A>C on the coding strand, the complement: SPG11 is on the minus strand). VCF-style: chr15-44660538-T-G. GRCh37 (hg19) VCF-style: chr15-44952736-T-G.
Other names: c.336A>C, p.Glu112Asp (NM_001160227.2); short protein forms E112D.
Identifiers: ClinVar variation 534870 (VCV000534870.7), dbSNP rs1488126503, ClinGen allele CA392238301.

ClinVar aggregate classification (germline): Uncertain significance. Review status: criteria provided, multiple submitters, no conflicts (2 of 4 stars). 2 submissions from 2 submitters: Uncertain significance (2). Last evaluated 2024-10-01.

Conditions:
Inborn genetic diseases. Identifiers: MedGen C0950123, MeSH D030342.
Hereditary spastic paraplegia 11. Also called: Nakamura Osame syndrome; Autosomal recessive hereditary spastic paraplegia, mental impairment, and thin corpus callosum; Spastic paraplegia, mental retardation and thin corpus callosum; SPASTIC PARAPLEGIA, AUTOSOMAL RECESSIVE, COMPLICATED, WITH THIN CORPUS CALLOSUM; SPASTIC PARAPLEGIA, AUTOSOMAL RECESSIVE, WITH MENTAL IMPAIRMENT AND THIN CORPUS CALLOSUM; Spastic Paraplegia 11. Identifiers: Orphanet 2822, MedGen C1858479, MONDO:0011445, OMIM 604360.

Allele frequency attached by ClinVar (database versions not stated): gnomAD 0.00001; TOPMed 0.00001; gnomAD exomes 0.00002.
gnomAD v4.1: 30 of 1,614,044 alleles (0.0019%); highest among the groups gnomAD compares: Non-Finnish European, 0.0025%; no homozygotes.

Submissions (2):

Ambry Genetics
Classification: Uncertain significance for Inborn genetic diseases. Last evaluated: 2024-10-01. Review status: criteria provided, single submitter. Criteria: Ambry Variant Classification Scheme 2023. Collection method: clinical testing. Allele origin: germline.

Labcorp Genetics (formerly Invitae), Labcorp
Classification: Uncertain significance for Hereditary spastic paraplegia 11. Last evaluated: 2021-08-27. Review status: criteria provided, single submitter. Criteria: Invitae Variant Classification Sherloc (09022015). Collection method: clinical testing. Allele origin: germline.
Comment: This sequence change replaces glutamic acid with aspartic acid at codon 112 of the SPG11 protein (p.Glu112Asp). The glutamic acid residue is moderately conserved and there is a small physicochemical difference between glutamic acid and aspartic acid. This variant is not present in population databases (ExAC no frequency). This variant has not been reported in the literature in individuals affected with SPG11-related conditions. Algorithms developed to predict the effect of missense changes on protein structure and function (SIFT, PolyPhen-2, Align-GVGD) all suggest that this variant is likely to be tolerated. In summary, the available evidence is currently insufficient to determine the role of this variant in disease. Therefore, it has been classified as a Variant of Uncertain Significance.